The following is an entry in ClinVar:

NM_001085411.3(NADK2):c.600_601dup (p.Ser201fs)

Gene: NADK2 (NAD kinase 2, mitochondrial; minus strand). Cytogenetic location: 5p13.2.
Variant type: Duplication.
Coding change: c.600_601dup on transcript NM_001085411.3 (MANE Select); coding-DNA positions 600 to 601, 2 bases duplicated (TT; older notation c.600_601dupTT).
Protein change: p.Ser201fs; shifts the reading frame from serine 201.
Molecular consequence: frameshift variant.
Genome position (GRCh38, 1-based): chr5:36,219,639-36,219,640, AA duplicated on the plus strand (TT on the coding strand, the reverse complement: NADK2 is on the minus strand). VCF-style (leftmost placement, unchanged base first): chr5-36219638-G-GAA. GRCh37 (hg19) VCF-style: chr5-36219740-G-GAA.
Other names: c.111_112dup, p.Ser38fs (NM_001287340.2, NM_001287341.2, NM_153013.5); short protein forms S201fs, S38fs.
Identifiers: ClinVar variation 3013807 (VCV003013807.3), dbSNP rs1161161598, ClinGen allele CA559011358.

ClinVar aggregate classification (germline): Uncertain significance (1 of 4 stars; one submission).

Conditions:
Progressive encephalopathy with leukodystrophy due to DECR deficiency. Identifiers: Orphanet 431361, MedGen C1857252, MONDO:0014464, OMIM 616034.

Allele frequency attached by ClinVar (database versions not stated): gnomAD 0.00001; TOPMed 0.00003.

Submission:

Labcorp Genetics (formerly Invitae), Labcorp
Classification: Uncertain significance for Progressive encephalopathy with leukodystrophy due to DECR deficiency. Last evaluated: 2023-07-13. Review status: criteria provided, single submitter. Criteria: Invitae Variant Classification Sherloc (09022015). Collection method: clinical testing. Allele origin: germline.
Comment: In summary, the available evidence is currently insufficient to determine the role of this variant in disease. Therefore, it has been classified as a Variant of Uncertain Significance. Algorithms developed to predict the effect of sequence changes on RNA splicing suggest that this variant may disrupt the consensus splice site. This variant has not been reported in the literature in individuals affected with NADK2-related conditions. This variant is present in population databases (no rsID available, gnomAD 0.003%). This sequence change creates a premature translational stop signal (p.Ser201Phefs*32) in the NADK2 gene. It is expected to result in an absent or disrupted protein product. However, the current clinical and genetic evidence is not sufficient to establish whether loss-of-function variants in NADK2 cause disease.